The following is an entry in ClinVar:

ClinVar aggregate classification (germline): Uncertain significance (1 of 4 stars; one submission).

Allele frequency attached by ClinVar (database versions not stated): TOPMed 0.00002; gnomAD 0.00003; gnomAD exomes 0.00008; ESP Exome Variant Server 0.00010; ExAC 0.00012.
gnomAD v4.1: 74 of 1,039,953 alleles (0.0071%); highest among the groups gnomAD compares: Non-Finnish European, 0.0092%; no homozygotes.

Submissions (2):

Labcorp Genetics (formerly Invitae), Labcorp
Classification: Uncertain significance. Last evaluated: 2025-01-01. Review status: criteria provided, single submitter. Criteria: Invitae Variant Classification Sherloc (09022015). Collection method: clinical testing. Allele origin: germline.
Comment: This sequence change replaces glutamine, which is neutral and polar, with arginine, which is basic and polar, at codon 35 of the CFP protein (p.Gln35Arg). This variant is present in population databases (rs145814387, gnomAD 0.002%). This variant has not been reported in the literature in individuals affected with CFP-related conditions. ClinVar contains an entry for this variant (Variation ID: 1897213). An algorithm developed to predict the effect of missense changes on protein structure and function outputs the following: PolyPhen-2: "Benign". The arginine amino acid residue is found in multiple mammalian species, which suggests that this missense change does not adversely affect protein function. In summary, the available evidence is currently insufficient to determine the role of this variant in disease. Therefore, it has been classified as a Variant of Uncertain Significance.

Dr. Peter K. Rogan Lab, Western University
No classification provided (evidence only). Condition: Nonpapillary renal cell carcinoma. Review status: no classification provided. Collection method: in vitro. Allele origin: not applicable. Functional consequence: retained intron. Not counted in ClinVar's aggregate classification.

NM_001145252.3(CFP):c.104A>G (p.Gln35Arg)

Gene: CFP (complement factor properdin; minus strand). Cytogenetic location: Xp11.23.
Variant type: single nucleotide variant.
Coding change: c.104A>G on transcript NM_001145252.3 (MANE Select); coding-DNA position 104, A replaced by G.
Protein change: p.Gln35Arg; replaces glutamine 35 with arginine.
Molecular consequence: missense variant.
Genome position (GRCh38, 1-based): chrX:47,629,647, T>C on the plus strand (A>G on the coding strand, the complement: CFP is on the minus strand). VCF-style: chrX-47629647-T-C. GRCh37 (hg19) VCF-style: chrX-47489046-T-C.
Other names: c.104A>G, p.Gln35Arg (NM_002621.2); short protein forms Q35R.
Identifiers: ClinVar variation 1897213 (VCV001897213.6), dbSNP rs145814387, ClinGen allele CA10399018.
Genomic context (GRCh38, chrX:47,629,647, plus strand): 5'-TCTTCCACGCTGACACCACCCCCCAGGAGGCCCTTGCACTTGCCGGAGGATTCTTCATAC[T>C]GGGTGAAGCAGAGCACGGGGTCTGAGCCTGTAACAGGGCCAGGGGATGGGTGGGTGGGGC-3'
Protein context (NP_001138724.1, residues 25-45): TGSDPVLCFT[Gln35Arg]YEESSGKCKG